The following is an entry in ClinVar:

NM_175614.5(NDUFA11):c.-33G>T

Genes: NDUFA11 (NADH:ubiquinone oxidoreductase subunit A11; minus strand), LOC112552175 (Sharpr-MPRA regulatory region 9916; plus strand). Cytogenetic location: 19p13.3.
Variant type: single nucleotide variant.
Coding change: c.-33G>T on transcript NM_175614.5 (MANE Select); 33 bases upstream of the start codon, G replaced by T.
Molecular consequence: 5 prime UTR variant. On other transcripts: non-coding transcript variant (1).
Genome position (GRCh38, 1-based): chr19:5,903,741, C>A on the plus strand (G>T on the coding strand, the complement: NDUFA11 is on the minus strand). VCF-style: chr19-5903741-C-A. GRCh37 (hg19) VCF-style: chr19-5903752-C-A.
Other names: c.-33G>T (NM_001193375.3).
Identifiers: ClinVar variation 507694 (VCV000507694.1), dbSNP rs372900485, ClinGen allele CA658799112.

ClinVar aggregate classification (germline): Likely benign (1 of 4 stars; one submission).

gnomAD v4.1: 1 of 1,548,960 alleles (0.000065%); highest among the groups gnomAD compares: East Asian, 0.0024%; no homozygotes.

Submission:

GeneDx
Classification: Likely benign. Last evaluated: 2017-03-07. Review status: criteria provided, single submitter. Criteria: GeneDx Variant Classification (06012015). Collection method: clinical testing. Allele origin: germline. Affected: yes.
Comment: This variant is considered likely benign or benign based on one or more of the following criteria: it is a conservative change, it occurs at a poorly conserved position in the protein, it is predicted to be benign by multiple in silico algorithms, and/or has population frequency not consistent with disease.